The following is an entry in ClinVar:

ClinVar aggregate classification (germline): Conflicting classifications of pathogenicity. Review status: criteria provided, conflicting classifications (1 of 4 stars). 2 submissions from 2 submitters: Uncertain significance (1); Likely benign (1). Last evaluated 2023-12-26.

Conditions:
Kufor-Rakeb syndrome (KRS). Also called: PARKINSON DISEASE 9, AUTOSOMAL RECESSIVE, JUVENILE-ONSET. Identifiers: Orphanet 306674, Orphanet 314632, MedGen C1847640, MONDO:0011706, OMIM 606693.
Autosomal recessive spastic paraplegia type 78. Identifiers: Orphanet 513436, MedGen C5567893, MONDO:0014975, OMIM 617225.
Inborn genetic diseases. Identifiers: MedGen C0950123, MeSH D030342.

Allele frequency attached by ClinVar (database versions not stated): ExAC 0.00004; gnomAD exomes 0.00007; gnomAD 0.00012; TOPMed 0.00014.
gnomAD v4.1: 116 of 1,613,774 alleles (0.0072%); highest among the groups gnomAD compares: African/African-American, 0.033%; no homozygotes.

Submissions (2):

Ambry Genetics
Classification: Likely benign for Inborn genetic diseases. Last evaluated: 2023-12-26. Review status: criteria provided, single submitter. Criteria: Ambry Variant Classification Scheme 2023. Collection method: clinical testing. Allele origin: germline.

Labcorp Genetics (formerly Invitae), Labcorp
Classification: Uncertain significance for Kufor-Rakeb syndrome; Autosomal recessive spastic paraplegia type 78. Last evaluated: 2022-11-25. Review status: criteria provided, single submitter. Criteria: Invitae Variant Classification Sherloc (09022015). Collection method: clinical testing. Allele origin: germline.
Comment: In summary, the available evidence is currently insufficient to determine the role of this variant in disease. Therefore, it has been classified as a Variant of Uncertain Significance. Advanced modeling of protein sequence and biophysical properties (such as structural, functional, and spatial information, amino acid conservation, physicochemical variation, residue mobility, and thermodynamic stability) performed at Invitae indicates that this missense variant is not expected to disrupt ATP13A2 protein function. ClinVar contains an entry for this variant (Variation ID: 835887). This variant has not been reported in the literature in individuals affected with ATP13A2-related conditions. This variant is present in population databases (rs752619582, gnomAD 0.02%). This sequence change replaces proline, which is neutral and non-polar, with leucine, which is neutral and non-polar, at codon 119 of the ATP13A2 protein (p.Pro119Leu).

NM_022089.4(ATP13A2):c.356C>T (p.Pro119Leu)

Gene: ATP13A2 (ATPase cation transporting 13A2; minus strand). Cytogenetic location: 1p36.13.
Variant type: single nucleotide variant.
Coding change: c.356C>T on transcript NM_022089.4 (MANE Select); coding-DNA position 356, C replaced by T.
Protein change: p.Pro119Leu; replaces proline 119 with leucine.
Molecular consequence: missense variant.
Genome position (GRCh38, 1-based): chr1:17,004,813, G>A on the plus strand (C>T on the coding strand, the complement: ATP13A2 is on the minus strand). VCF-style: chr1-17004813-G-A. GRCh37 (hg19) VCF-style: chr1-17331308-G-A.
Other names: c.356C>T (NM_022089.2); c.356C>T, p.Pro119Leu (NM_001141973.3, NM_001141974.3); short protein forms P119L.
Identifiers: ClinVar variation 835887 (VCV000835887.6), dbSNP rs752619582, ClinGen allele CA637660.